The following is an entry in ClinVar:

NM_016111.4(TELO2):c.2082C>T (p.Ser694=)

Gene: TELO2 (telomere maintenance 2; plus strand). Cytogenetic location: 16p13.3.
Variant type: single nucleotide variant.
Coding change: c.2082C>T on transcript NM_016111.4 (MANE Select); coding-DNA position 2082, C replaced by T.
Protein change: p.Ser694=; no amino-acid change (serine 694 retained).
Molecular consequence: synonymous variant.
Genome position (GRCh38, 1-based): chr16:1,506,285, C>T. VCF-style: chr16-1506285-C-T. GRCh37 (hg19) VCF-style: chr16-1556286-C-T.
Other names: c.2082C>T, p.Ser694= (NM_001351846.2).
Identifiers: ClinVar variation 725790 (VCV000725790.12), dbSNP rs141481758, ClinGen allele CA7812473.

ClinVar aggregate classification (germline): Likely benign. Review status: criteria provided, multiple submitters, no conflicts (2 of 4 stars). 2 submissions from 2 submitters: Likely benign (2). Last evaluated 2026-03-01.

Allele frequency attached by ClinVar (database versions not stated): TOPMed 0.00006; 1000 Genomes Project 30x 0.00062; 1000 Genomes Project 0.00080.
gnomAD v4.1: 640 of 1,613,976 alleles (0.04%); highest among the groups gnomAD compares: East Asian, 1.3%; 10 homozygotes.

Submissions (2):

CeGaT Center for Human Genetics Tuebingen
Classification: Likely benign. Last evaluated: 2026-03-01. Review status: criteria provided, single submitter. Criteria: CeGaT Center For Human Genetics Tuebingen Variant Classification Criteria Version 2. Collection method: clinical testing. Allele origin: germline. Affected: yes. Observed: 1 variant allele.
Comment: TELO2: BP4, BP7, BS1

Labcorp Genetics (formerly Invitae), Labcorp
Classification: Likely benign. Last evaluated: 2025-07-14. Review status: criteria provided, single submitter. Criteria: Invitae Variant Classification Sherloc (09022015). Collection method: clinical testing. Allele origin: germline.